The following is an entry in ClinVar:

ClinVar aggregate classification (germline): Uncertain significance (1 of 4 stars; one submission).

Conditions:
Cardiovascular phenotype. Identifiers: MedGen CN230736.

Submission:

Ambry Genetics
Classification: Uncertain significance for Cardiovascular phenotype. Last evaluated: 2024-09-20. Review status: criteria provided, single submitter. Criteria: Ambry Variant Classification Scheme 2023. Collection method: clinical testing. Allele origin: germline.
Comment: The p.A227S variant (also known as c.679G>T), located in coding exon 1 of the MYPN gene, results from a G to T substitution at nucleotide position 679. The alanine at codon 227 is replaced by serine, an amino acid with similar properties. This amino acid position is conserved. In addition, this alteration is predicted to be tolerated by in silico analysis. Based on the available evidence, the clinical significance of this variant remains unclear.

NM_032578.4(MYPN):c.679G>T (p.Ala227Ser)

Gene: MYPN (myopalladin; plus strand). Cytogenetic location: 10q21.3.
Variant type: single nucleotide variant.
Coding change: c.679G>T on transcript NM_032578.4 (MANE Select); coding-DNA position 679, G replaced by T.
Protein change: p.Ala227Ser; replaces alanine 227 with serine.
Molecular consequence: missense variant. On other transcripts: 5 prime UTR variant (1), non-coding transcript variant (1).
Genome position (GRCh38, 1-based): chr10:68,122,117, G>T. VCF-style: chr10-68122117-G-T. GRCh37 (hg19) VCF-style: chr10-69881874-G-T.
Other names: c.679G>T, p.Ala227Ser (NM_001256267.2); c.-444G>T (NM_001256268.2); short protein forms A227S.
Identifiers: ClinVar variation 3402040 (VCV003402040.1).